The following is an entry in ClinVar:

ClinVar aggregate classification (germline): Uncertain significance (1 of 4 stars; one submission).

Submission:

Genetic Services Laboratory, University of Chicago
Classification: Uncertain significance. Last evaluated: 2021-11-24. Review status: criteria provided, single submitter. Criteria: ACMG Guidelines, 2015. Collection method: clinical testing. Allele origin: germline. Affected: no.
Comment: This sequence change does not appear to have been previously described in individuals with NPAT-related disorders and has also not been described in the population databases such as ExAC and gnomAD. The p.Met1414Ile change affects a highly conserved amino acid residue located in a domain of the NPAT protein that is not known to be functional. In-silico pathogenicity prediction tools (SIFT, PolyPhen2, Align GVGD, REVEL) provide contradictory results for the p.Met1414Ile substitution. Due to insufficient evidence and the lack of functional studies, the clinical significance of the p.Met1414Ile change remains unknown at this time.

NM_002519.3(NPAT):c.4242G>A (p.Met1414Ile)

Gene: NPAT (nuclear protein, coactivator of histone transcription; minus strand). Cytogenetic location: 11q22.3.
Variant type: single nucleotide variant.
Coding change: c.4242G>A on transcript NM_002519.3 (MANE Select); coding-DNA position 4242, G replaced by A.
Protein change: p.Met1414Ile; replaces methionine 1414 with isoleucine.
Molecular consequence: missense variant.
Genome position (GRCh38, 1-based): chr11:108,158,984, C>T on the plus strand (G>A on the coding strand, the complement: NPAT is on the minus strand). VCF-style: chr11-108158984-C-T. GRCh37 (hg19) VCF-style: chr11-108029711-C-T.
Other names: c.4263G>A, p.Met1421Ile (NM_001321307.1); short protein forms M1414I, M1421I.
Identifiers: ClinVar variation 1338152 (VCV001338152.4), dbSNP rs2134814344, ClinGen allele CA382509047.